The following is an entry in ClinVar:

ClinVar aggregate classification (germline): Likely pathogenic. Review status: criteria provided, multiple submitters, no conflicts (2 of 4 stars). 2 submissions from 2 submitters: Likely pathogenic (2). Last evaluated 2025-06-11.

Conditions:
Dilated cardiomyopathy 1G (CMD1G). Identifiers: Orphanet 154, MedGen C1858763, MONDO:0011400, OMIM 604145.
Autosomal recessive limb-girdle muscular dystrophy type 2J (LGMDR10). Also called: Limb-girdle muscular dystrophy, type 2J; MUSCULAR DYSTROPHY, LIMB-GIRDLE, AUTOSOMAL RECESSIVE 10. Identifiers: Orphanet 140922, MedGen C1837342, MONDO:0012127, OMIM 608807.
TTN-related disorder. Also called: TTN-related disorders; TTN-related condition; TTN-related disease.

Submissions (2):

Labcorp Genetics (formerly Invitae), Labcorp
Classification: Likely pathogenic for Dilated cardiomyopathy 1G; Autosomal recessive limb-girdle muscular dystrophy type 2J. Last evaluated: 2025-06-11. Review status: criteria provided, single submitter. Criteria: Invitae Variant Classification Sherloc (09022015). Collection method: clinical testing. Allele origin: germline.
Comment: This sequence change creates a premature translational stop signal (p.Gln21813*) in the TTN gene. While this is not anticipated to result in nonsense mediated decay, it is expected to create a truncated TTN protein. This variant is not present in population databases (gnomAD no frequency). This variant has not been reported in the literature in individuals affected with TTN-related conditions. ClinVar contains an entry for this variant (Variation ID: 1067151). This variant is located in the A band of TTN (PMID: 25589632). Truncating variants in this region are significantly overrepresented in patients affected with dilated cardiomyopathy (PMID: 25589632). Truncating variants in this region have also been reported in individuals affected with autosomal recessive centronuclear myopathy (PMID: 23975875). In summary, the currently available evidence indicates that the variant is pathogenic, but additional data are needed to prove that conclusively. Therefore, this variant has been classified as Likely Pathogenic.

PreventionGenetics, part of Exact Sciences
Classification: Likely pathogenic for TTN-related condition. Last evaluated: 2023-06-22. Review status: criteria provided, single submitter. Criteria: ACMG Guidelines, 2015. Collection method: clinical testing. Allele origin: germline.
Comment: The TTN c.65437C>T variant is predicted to result in premature protein termination (p.Gln21813*). RNAseq studies from heart tissue indicate this exon is commonly included in TTN mRNA transcripts (PSI of 100%). TTN truncating variants are reported in 1-2% of presumably healthy individuals and occur more frequently in exons with low PSI values (Roberts et al. 2015. PMID: 25589632; Herman et al. 2012. PMID: 22335739). This variant is located near the A-band region of the TTN protein, a region in which truncating variants are overrepresented in dilated cardiomyopathy (DCM) (Herman et al. 2012. PMID: 22335739). To our knowledge, this variant has not been reported in the literature. This variant has not been reported in a large population database, indicating it is rare. This variant is interpreted as likely pathogenic.

Literature cited by the submitters: PubMed 25589632 (cited by Labcorp Genetics (formerly Invitae), Labcorp); PubMed 23975875 (cited by Labcorp Genetics (formerly Invitae), Labcorp).

NM_001267550.2(TTN):c.65437C>T (p.Gln21813Ter)

Genes: TTN-AS1 (TTN antisense RNA 1; plus strand), TTN (titin; minus strand). Cytogenetic location: 2q31.2.
Variant type: single nucleotide variant.
Coding change: c.65437C>T on transcript NM_001267550.2 (MANE Select); coding-DNA position 65437, C replaced by T.
Protein change: p.Gln21813Ter; replaces glutamine 21813 with a stop codon.
Molecular consequence: nonsense. On other transcripts: non-coding transcript variant (1).
Genome position (GRCh38, 1-based): chr2:178,583,745, G>A on the plus strand (C>T on the coding strand, the complement: TTN is on the minus strand). VCF-style: chr2-178583745-G-A. GRCh37 (hg19) VCF-style: chr2-179448472-G-A.
Other names: c.60514C>T, p.Gln20172Ter (NM_001256850.1); c.38242C>T, p.Gln12748Ter (NM_003319.4); c.57733C>T, p.Gln19245Ter (NM_133378.4); c.38617C>T, p.Gln12873Ter (NM_133432.3); c.38818C>T, p.Gln12940Ter (NM_133437.4); short protein forms Q12748*, Q12873*, Q12940*, Q19245*, Q20172*, Q21813*.
Identifiers: ClinVar variation 1067151 (VCV001067151.10), dbSNP rs1575960580, ClinGen allele CA349434186.